The following is an entry in ClinVar:

ClinVar aggregate classification (germline): Uncertain significance. Review status: criteria provided, multiple submitters, no conflicts (2 of 4 stars). 2 submissions from 2 submitters: Uncertain significance (2). Last evaluated 2026-04-22.

Conditions:
Inborn genetic diseases. Identifiers: MedGen C0950123, MeSH D030342.

Allele frequency attached by ClinVar (database versions not stated): gnomAD exomes below 0.00001.
gnomAD v4.1: 1 of 1,611,376 alleles (0.000062%); highest among the groups gnomAD compares: Non-Finnish European, 0.000085%; no homozygotes.

Submissions (2):

Ambry Genetics
Classification: Uncertain significance for Inborn genetic diseases. Last evaluated: 2026-04-22. Review status: criteria provided, single submitter. Criteria: Ambry Variant Classification Scheme 2023. Collection method: clinical testing. Allele origin: germline.

GeneDx
Classification: Uncertain significance. Last evaluated: 2022-02-08. Review status: criteria provided, single submitter. Criteria: GeneDx Variant Classification Process June 2021. Collection method: clinical testing. Allele origin: germline. Affected: yes.
Comment: Not observed at significant frequency in large population cohorts (gnomAD); In silico analysis supports that this missense variant has a deleterious effect on protein structure/function; Has not been previously published as pathogenic or benign to our knowledge

NM_004456.5(EZH2):c.101G>A (p.Arg34Gln)

Gene: EZH2 (enhancer of zeste 2 polycomb repressive complex 2 subunit; minus strand). Cytogenetic location: 7q36.1.
Variant type: single nucleotide variant.
Coding change: c.101G>A on transcript NM_004456.5 (MANE Select); coding-DNA position 101, G replaced by A.
Protein change: p.Arg34Gln; replaces arginine 34 with glutamine.
Molecular consequence: missense variant.
Genome position (GRCh38, 1-based): chr7:148,847,198, C>T on the plus strand (G>A on the coding strand, the complement: EZH2 is on the minus strand). VCF-style: chr7-148847198-C-T. GRCh37 (hg19) VCF-style: chr7-148544290-C-T.
Other names: c.101G>A, p.Arg34Gln (NM_001203247.2, NM_001203248.2, NM_001203249.2 and 1 more transcripts); short protein forms R34Q.
Identifiers: ClinVar variation 1700793 (VCV001700793.3), dbSNP rs2129485367, ClinGen allele CA369708419.